The following is an entry in ClinVar:

NM_004370.6(COL12A1):c.6724+6T>C

Gene: COL12A1 (collagen type XII alpha 1 chain; minus strand). Cytogenetic location: 6q13.
Variant type: single nucleotide variant.
Coding change: c.6724+6T>C on transcript NM_004370.6 (MANE Select); 6 bases into the intron after coding-DNA position 6724, T replaced by C.
Molecular consequence: intron variant.
Genome position (GRCh38, 1-based): chr6:75,124,249, A>G on the plus strand (T>C on the coding strand, the complement: COL12A1 is on the minus strand). VCF-style: chr6-75124249-A-G. GRCh37 (hg19) VCF-style: chr6-75833965-A-G.
Other names: c.3232+6T>C (NM_080645.3).
Identifiers: ClinVar variation 2030637 (VCV002030637.4), dbSNP rs2533230938, ClinGen allele CA2580075829.

ClinVar aggregate classification (germline): Uncertain significance (1 of 4 stars; one submission).

Conditions:
Ullrich congenital muscular dystrophy 2 (UCMD2). Identifiers: Orphanet 75840, MedGen C4225314, MONDO:0014654, OMIM 616470.
Bethlem myopathy 2 (BTHLM2). Identifiers: Orphanet 536516, Orphanet 610, MedGen C4225313, MONDO:0034022, OMIM 616471.

Submission:

Labcorp Genetics (formerly Invitae), Labcorp
Classification: Uncertain significance for Bethlem myopathy 2; Ullrich congenital muscular dystrophy 2. Last evaluated: 2023-12-06. Review status: criteria provided, single submitter. Criteria: Invitae Variant Classification Sherloc (09022015). Collection method: clinical testing. Allele origin: germline.
Comment: This sequence change falls in intron 41 of the COL12A1 gene. It does not directly change the encoded amino acid sequence of the COL12A1 protein. It affects a nucleotide within the consensus splice site. This variant is not present in population databases (gnomAD no frequency). This variant has not been reported in the literature in individuals affected with COL12A1-related conditions. ClinVar contains an entry for this variant (Variation ID: 2030637). Variants that disrupt the consensus splice site are a relatively common cause of aberrant splicing (PMID: 17576681, 9536098). Algorithms developed to predict the effect of sequence changes on RNA splicing suggest that this variant may disrupt the consensus splice site. In summary, the available evidence is currently insufficient to determine the role of this variant in disease. Therefore, it has been classified as a Variant of Uncertain Significance.

Literature cited by the submitters: PubMed 17576681; PubMed 9536098.